The following is an entry in ClinVar:

ClinVar aggregate classification (germline): Likely benign. Review status: criteria provided, multiple submitters, no conflicts (2 of 4 stars). 2 submissions from 2 submitters: Likely benign (2). Last evaluated 2025-04-01.

Allele frequency attached by ClinVar (database versions not stated): 1000 Genomes Project 0.00020; ExAC 0.00030; 1000 Genomes Project 30x 0.00031; ESP Exome Variant Server 0.00051; TOPMed 0.00063; gnomAD 0.00070.
gnomAD v4.1: 196 of 1,566,422 alleles (0.013%); highest among the groups gnomAD compares: African/African-American, 0.2%; no homozygotes.

Submissions (2):

CeGaT Center for Human Genetics Tuebingen
Classification: Likely benign. Last evaluated: 2025-04-01. Review status: criteria provided, single submitter. Criteria: CeGaT Center For Human Genetics Tuebingen Variant Classification Criteria Version 2. Collection method: clinical testing. Allele origin: germline. Affected: yes. Observed: 2 variant alleles.
Comment: KIF26A: BP4, BP7

Blueprint Genetics
Classification: Likely benign. Last evaluated: 2024-10-18. Review status: criteria provided, single submitter. Criteria: ACMG Guidelines, 2015. Collection method: clinical testing. Allele origin: germline.

NM_015656.2(KIF26A):c.2943C>T (p.Pro981=)

Gene: KIF26A (kinesin family member 26A; plus strand). Cytogenetic location: 14q32.33.
Variant type: single nucleotide variant.
Coding change: c.2943C>T on transcript NM_015656.2 (MANE Select); coding-DNA position 2943, C replaced by T.
Protein change: p.Pro981=; no amino-acid change (proline 981 retained).
Molecular consequence: synonymous variant.
Genome position (GRCh38, 1-based): chr14:104,175,731, C>T. VCF-style: chr14-104175731-C-T. GRCh37 (hg19) VCF-style: chr14-104642068-C-T.
Identifiers: ClinVar variation 2644606 (VCV002644606.25), dbSNP rs372182645, ClinGen allele CA7370900.